The following is an entry in ClinVar:

NM_015102.5(NPHP4):c.1585_1586del (p.Gly529fs)

Gene: NPHP4 (nephrocystin 4; minus strand). Cytogenetic location: 1p36.31.
Variant type: Deletion.
Coding change: c.1585_1586del on transcript NM_015102.5 (MANE Select); coding-DNA positions 1585 to 1586, 2 bases deleted (GG; older notation c.1585_1586delGG).
Protein change: p.Gly529fs; shifts the reading frame from glycine 529.
Molecular consequence: frameshift variant. On other transcripts: non-coding transcript variant (1), intron variant (2).
Genome position (GRCh38, 1-based): chr1:5,907,140-5,907,141, CC deleted on the plus strand (GG on the coding strand, the reverse complement: NPHP4 is on the minus strand). VCF-style (leftmost placement, unchanged base first): chr1-5907139-GCC-G. GRCh37 (hg19) VCF-style: chr1-5967199-GCC-G.
Other names: c.76-1358_76-1357del (NM_001291594.2); c.76-1361_76-1360del (NM_001291593.2); short protein forms G529fs.
Identifiers: ClinVar variation 956880 (VCV000956880.9), dbSNP rs751662952, ClinGen allele CA554438.

ClinVar aggregate classification (germline): Pathogenic/Likely pathogenic. Review status: criteria provided, multiple submitters, no conflicts (2 of 4 stars). 2 submissions from 2 submitters: Pathogenic (1); Likely pathogenic (1). Last evaluated 2025-03-31.

Conditions:
Nephronophthisis 4 (NPHP4). Also called: NEPHRONOPHTHISIS 4, JUVENILE. Identifiers: Orphanet 655, MedGen C1847013, MONDO:0011752, OMIM 606966.
Senior-Loken syndrome 4 (SLSN4). Identifiers: Orphanet 3156, MedGen C1846979, MONDO:0011756, OMIM 606996.
Nephronophthisis. Also called: Juvenile Nephronophthisis. Identifiers: Orphanet 655, MedGen C0687120, MONDO:0019005, HP:0000090.

Allele frequency attached by ClinVar (database versions not stated): gnomAD exomes below 0.00001 and 0.00001; gnomAD 0.00002; ExAC 0.00003; TOPMed 0.00004.

Submissions (2):

Labcorp Genetics (formerly Invitae), Labcorp
Classification: Pathogenic for Nephronophthisis. Last evaluated: 2025-03-31. Review status: criteria provided, single submitter. Criteria: Invitae Variant Classification Sherloc (09022015). Collection method: clinical testing. Allele origin: germline.
Comment: This sequence change creates a premature translational stop signal (p.Gly529Leufs*85) in the NPHP4 gene. It is expected to result in an absent or disrupted protein product. Loss-of-function variants in NPHP4 are known to be pathogenic (PMID: 12205563, 23559409). This variant is present in population databases (rs751662952, gnomAD 0.009%). This variant has not been reported in the literature in individuals affected with NPHP4-related conditions. ClinVar contains an entry for this variant (Variation ID: 956880). For these reasons, this variant has been classified as Pathogenic.

Fulgent Genetics
Classification: Likely pathogenic for Nephronophthisis 4; Senior-Loken syndrome 4. Last evaluated: 2024-04-16. Review status: criteria provided, single submitter. Criteria: ACMG Guidelines, 2015. Collection method: clinical testing. Allele origin: germline.

Literature cited by the submitters: PubMed 12205563 (cited by Labcorp Genetics (formerly Invitae), Labcorp); PubMed 23559409 (cited by Labcorp Genetics (formerly Invitae), Labcorp).